The following is an entry in ClinVar:

NM_018116.4(MSTO1):c.262G>T (p.Asp88Tyr)

Gene: MSTO1 (misato mitochondrial distribution and morphology regulator 1; plus strand). Cytogenetic location: 1q22.
Variant type: single nucleotide variant.
Coding change: c.262G>T on transcript NM_018116.4 (MANE Select); coding-DNA position 262, G replaced by T.
Protein change: p.Asp88Tyr; replaces aspartic acid 88 with tyrosine.
Molecular consequence: missense variant. On other transcripts: 5 prime UTR variant (14), non-coding transcript variant (6).
Genome position (GRCh38, 1-based): chr1:155,611,080, G>T. VCF-style: chr1-155611080-G-T. GRCh37 (hg19) VCF-style: chr1-155580871-G-T.
Other names: c.262G>T, p.Asp88Tyr (NM_001256532.1, NM_001256533.1, NM_001350772.1 and 3 more transcripts); c.-26G>T (NM_001350776.1); c.-295G>T (NM_001350777.1, NM_001350779.1); c.-359G>T (NM_001350778.1); c.-411G>T (NM_001350780.1, NM_001350781.1); c.-337G>T (NM_001350782.1, NM_001350783.1, NM_001350786.1 and 1 more transcripts); c.-344G>T (NM_001350784.1, NM_001350787.1); c.-408G>T (NM_001350785.1, NM_001350789.1); short protein forms D88Y.
Identifiers: ClinVar variation 2572507 (VCV002572507.1), dbSNP rs2525409709, ClinGen allele CA342756469.
Genomic context (GRCh38, chr1:155,611,080, plus strand): 5'-CTCTGTTATTTCTGTACAGGTAGTTTGAGCTCCCTAAAAGAGGAAGGTGGACTCTACAGG[G>T]ACAAACAGTTGGATGCTGCAATAGCATGGTGTGTAACTGATGTATGGATAAGGGTGGGGA-3'
Protein context (NP_060586.2, residues 78-98): SLKEEGGLYR[Asp88Tyr]KQLDAAIAWQ

ClinVar aggregate classification (germline): Uncertain significance (1 of 4 stars; one submission).

Conditions:
Mitochondrial myopathy-cerebellar ataxia-pigmentary retinopathy syndrome. Also called: MYOPATHY, MITOCHONDRIAL, AND ATAXIA. Identifiers: Orphanet 502423, MedGen C4540096, MONDO:0044714, OMIM 617675.

Submission:

3billion
Classification: Uncertain significance for Mitochondrial myopathy-cerebellar ataxia-pigmentary retinopathy syndrome. Review status: criteria provided, single submitter. Criteria: ACMG Guidelines, 2015. Collection method: clinical testing. Allele origin: unknown. Affected: yes. Observed: 1 heterozygote.
Comment: The variant is not observed in the gnomAD v2.1.1 dataset. In silico tools predict the variant to alter splicing and produce an abnormal transcript (SpliceAI: 0.89). However, the evidence of pathogenicity is insufficient at this time. Therefore, this variant is classified as Uncertain significance according to the recommendation of ACMG/AMP guideline.